The following is an entry in ClinVar:

NM_001457.4(FLNB):c.6863_6868del (p.Arg2288_Arg2289del)

Gene: FLNB (filamin B; plus strand). Cytogenetic location: 3p14.3.
Variant type: Deletion.
Coding change: c.6863_6868del on transcript NM_001457.4 (MANE Select); coding-DNA positions 6863 to 6868, 6 bases deleted (GCCGCC; older notation c.6863_6868delGCCGCC).
Protein change: p.Arg2288_Arg2289del.
Molecular consequence: inframe deletion.
Genome position (GRCh38, 1-based): chr3:58,156,050-58,156,055, GCCGCC deleted; deleting any 6 consecutive bases within chr3:58,156,048-58,156,055 gives the same sequence; the c. name uses the placement nearest the transcript's 3' end. VCF-style (leftmost placement, unchanged base first): chr3-58156047-CCCGCCG-C. GRCh37 (hg19) VCF-style: chr3-58141774-CCCGCCG-C.
Other names: c.6956_6961del, p.Arg2319_Arg2320del (NM_001164317.2); c.6830_6835del, p.Arg2277_Arg2278del (NM_001164318.2); c.6791_6796del, p.Arg2264_Arg2265del (NM_001164319.2).
Identifiers: ClinVar variation 2186653 (VCV002186653.4), dbSNP rs1360847055, ClinGen allele CA908642188.

ClinVar aggregate classification (germline): Uncertain significance (1 of 4 stars; one submission).

Submission:

Labcorp Genetics (formerly Invitae), Labcorp
Classification: Uncertain significance. Last evaluated: 2022-09-23. Review status: criteria provided, single submitter. Criteria: Invitae Variant Classification Sherloc (09022015). Collection method: clinical testing. Allele origin: germline.
Comment: This variant is not present in population databases (gnomAD no frequency). In summary, the available evidence is currently insufficient to determine the role of this variant in disease. Therefore, it has been classified as a Variant of Uncertain Significance. Experimental studies and prediction algorithms are not available or were not evaluated, and the functional significance of this variant is currently unknown. This variant has not been reported in the literature in individuals affected with FLNB-related conditions. This variant, c.6863_6868del, results in the deletion of 2 amino acid(s) of the FLNB protein (p.Arg2288_Arg2289del), but otherwise preserves the integrity of the reading frame.